The following is an entry in ClinVar:

NM_138694.4(PKHD1):c.6768_6778del (p.Ser2256fs)

Gene: PKHD1 (PKHD1 ciliary IPT domain containing fibrocystin/polyductin; minus strand). Cytogenetic location: 6p12.2.
Variant type: Deletion.
Coding change: c.6768_6778del on transcript NM_138694.4 (MANE Select); coding-DNA positions 6768 to 6778, 11 bases deleted (TAATGTATTCT).
Protein change: p.Ser2256fs; shifts the reading frame from serine 2256.
Molecular consequence: frameshift variant.
Genome position (GRCh38, 1-based): chr6:51,906,245-51,906,255, AGAATACATTA deleted on the plus strand (TAATGTATTCT on the coding strand, the reverse complement: PKHD1 is on the minus strand). VCF-style (leftmost placement, unchanged base first): chr6-51906244-TAGAATACATTA-T. GRCh37 (hg19) VCF-style: chr6-51771042-TAGAATACATTA-T.
Other names: c.6768_6778del, p.Ser2256fs (NM_170724.3); short protein forms S2256fs.
Identifiers: ClinVar variation 4816725 (VCV004816725.1).

ClinVar aggregate classification (germline): Likely pathogenic (1 of 4 stars; one submission).

Conditions:
Autosomal recessive polycystic kidney disease (ARPKD). Also called: AR polycystic kidney disease. Identifiers: Orphanet 731, Orphanet 8378, MedGen C0085548, MeSH D017044, MONDO:0009889.

Submission:

Natera, Inc.
Classification: Likely pathogenic for Autosomal recessive polycystic kidney disease. Last evaluated: 2024-09-26. Review status: criteria provided, single submitter. Criteria: Natera Variant Classification Schema (03/2026). Collection method: clinical testing. Allele origin: germline.
Comment: The c.6768_6778del variant in PKHD1 is a frameshift variant predicted to shift the reading frame beginning at codon 2256 and leads to a stop codon 30 codons downstream. This variant is expected to result in nonsense mediated decay, truncation, or a dysfunctional protein product. This variant is rare in the general population with a frequency below the threshold expected for the associated phenotype(s). Given the available evidence, this variant is classified as Likely Pathogenic.